The following is an entry in ClinVar:

NM_022114.4(PRDM16):c.2414_2603+44del

Gene: PRDM16 (PR/SET domain 16; plus strand). Cytogenetic location: 1p36.32.
Variant type: Deletion.
Coding change: c.2414_2603+44del on transcript NM_022114.4 (MANE Select); coding-DNA position 2414 through 44 bases into the intron after coding-DNA position 2603, 234 bases deleted.
Molecular consequence: splice donor variant.
Genome position (GRCh38, 1-based): chr1:3,412,611-3,412,844, 234 bases deleted. GRCh37 (hg19): chr1:3,329,175-3,329,408.
Other names: c.2414_2603+44del (NM_199454.3).
Identifiers: ClinVar variation 4721603 (VCV004721603.1).

ClinVar aggregate classification (germline): Uncertain significance (1 of 4 stars; one submission).

Conditions:
Left ventricular noncompaction 8 (LVNC8). Identifiers: Orphanet 154, Orphanet 54260, MedGen C3809288, MONDO:0014152, OMIM 615373.

Submission:

Labcorp Genetics (formerly Invitae), Labcorp
Classification: Uncertain significance for Left ventricular noncompaction 8. Last evaluated: 2025-06-17. Review status: criteria provided, single submitter. Criteria: Invitae Variant Classification Sherloc (09022015). Collection method: clinical testing. Allele origin: germline.
Comment: This variant results in the deletion of part of exon 9 (c.2414_2603+44del) of the PRDM16 gene. It is expected to disrupt RNA splicing. Variants that disrupt the donor or acceptor splice site typically lead to a loss of protein function (PMID: 16199547), however the current clinical and genetic evidence is not sufficient to establish whether loss-of-function variants in PRDM16 cause disease. This variant is not present in population databases (gnomAD no frequency). This variant has not been reported in the literature in individuals affected with PRDM16-related conditions. In summary, the available evidence is currently insufficient to determine the role of this variant in disease. Therefore, it has been classified as a Variant of Uncertain Significance.

Literature cited by the submitters: PubMed 16199547.